The following is an entry in ClinVar:

NM_006231.4(POLE):c.3116T>C (p.Met1039Thr)

Gene: POLE (DNA polymerase epsilon, catalytic subunit; minus strand). Cytogenetic location: 12q24.33.
Variant type: single nucleotide variant.
Coding change: c.3116T>C on transcript NM_006231.4 (MANE Select); coding-DNA position 3116, T replaced by C.
Protein change: p.Met1039Thr; replaces methionine 1039 with threonine.
Molecular consequence: missense variant.
Genome position (GRCh38, 1-based): chr12:132,659,454, A>G on the plus strand (T>C on the coding strand, the complement: POLE is on the minus strand). VCF-style: chr12-132659454-A-G. GRCh37 (hg19) VCF-style: chr12-133236040-A-G.
Other names: short protein forms M1039T.
Identifiers: ClinVar variation 2496845 (VCV002496845.6), dbSNP rs1299281821, ClinGen allele CA387391673.
Genomic context (GRCh38, chr12:132,659,454, plus strand): 5'-CGCTTTGCTGTGCTGATGGACGTAGACTTCTGCTCCCCGTAATCTTCCAGCTTCCGAGAC[A>G]TGGAACGGTTCTCAGAGATGAGCTCGAATAGCTCAGAGTCAGGCATGTTGGCTGCCTAGA-3'
Protein context (NP_006222.2, residues 1029-1049): LFELISENRS[Met1039Thr]SRKLEDYGEQ

ClinVar aggregate classification (germline): Uncertain significance. Review status: criteria provided, multiple submitters, no conflicts (2 of 4 stars). 2 submissions from 2 submitters: Uncertain significance (2). Last evaluated 2025-05-31.

Conditions:
Hereditary cancer-predisposing syndrome. Also called: Neoplastic Syndromes, Hereditary; Hereditary neoplastic syndrome; Tumor predisposition; Hereditary Cancer Syndrome. Identifiers: Orphanet 140162, MedGen C0027672, MeSH D009386, MONDO:0015356.

Allele frequency attached by ClinVar (database versions not stated): gnomAD exomes below 0.00001.

Submissions (2):

Ambry Genetics
Classification: Uncertain significance for Hereditary cancer-predisposing syndrome. Last evaluated: 2025-05-31. Review status: criteria provided, single submitter. Criteria: Ambry Variant Classification Scheme 2023. Collection method: clinical testing. Allele origin: germline.
Comment: The p.M1039T variant (also known as c.3116T>C), located in coding exon 26 of the POLE gene, results from a T to C substitution at nucleotide position 3116. The methionine at codon 1039 is replaced by threonine, an amino acid with similar properties. This amino acid position is conserved. In addition, the in silico prediction for this alteration is inconclusive. Since supporting evidence is limited at this time, the clinical significance of this alteration remains unclear.

Labcorp Genetics (formerly Invitae), Labcorp
Classification: Uncertain significance. Last evaluated: 2025-05-07. Review status: criteria provided, single submitter. Criteria: Invitae Variant Classification Sherloc (09022015). Collection method: clinical testing. Allele origin: germline.
Comment: This sequence change replaces methionine, which is neutral and non-polar, with threonine, which is neutral and polar, at codon 1039 of the POLE protein (p.Met1039Thr). This variant is present in population databases (no rsID available, gnomAD 0.003%). This variant has not been reported in the literature in individuals affected with POLE-related conditions. ClinVar contains an entry for this variant (Variation ID: 2496845). Invitae Evidence Modeling of protein sequence and biophysical properties (such as structural, functional, and spatial information, amino acid conservation, physicochemical variation, residue mobility, and thermodynamic stability) indicates that this missense variant is expected to disrupt POLE protein function with a positive predictive value of 80%. In summary, the available evidence is currently insufficient to determine the role of this variant in disease. Therefore, it has been classified as a Variant of Uncertain Significance.